The following is an entry in ClinVar:

ClinVar aggregate classification (germline): Likely benign (1 of 4 stars; one submission).

Allele frequency attached by ClinVar (database versions not stated): ExAC 0.00001.
gnomAD v4.1: 6 of 1,611,680 alleles (0.00037%); highest among the groups gnomAD compares: Non-Finnish European, 0.00051%; no homozygotes.

Submission:

CeGaT Center for Human Genetics Tuebingen
Classification: Likely benign. Last evaluated: 2023-01-01. Review status: criteria provided, single submitter. Criteria: CeGaT Center For Human Genetics Tuebingen Variant Classification Criteria Version 2. Collection method: clinical testing. Allele origin: germline. Affected: yes. Observed: 1 variant allele.
Comment: ZNF518A: BP4, BP7

NM_001330736.2(ZNF518A):c.4212C>A (p.Ser1404=)

Gene: ZNF518A (zinc finger protein 518A; plus strand). Cytogenetic location: 10q24.1.
Variant type: single nucleotide variant.
Coding change: c.4212C>A on transcript NM_001330736.2 (MANE Select); coding-DNA position 4212, C replaced by A.
Protein change: p.Ser1404=; no amino-acid change (serine 1404 retained).
Molecular consequence: synonymous variant.
Genome position (GRCh38, 1-based): chr10:96,160,534, C>A. VCF-style: chr10-96160534-C-A. GRCh37 (hg19) VCF-style: chr10-97920290-C-A.
Other names: c.4212C>A, p.Ser1404= (NM_001330737.1, NM_001330738.1, NM_014803.4 and 6 more transcripts); c.2622C>A, p.Ser874= (NM_001278526.2).
Identifiers: ClinVar variation 2640729 (VCV002640729.24), dbSNP rs781864566, ClinGen allele CA212523255.